The following is an entry in ClinVar:

ClinVar aggregate classification (germline): Pathogenic (1 of 4 stars; one submission).

Conditions:
Leukocyte adhesion deficiency 1 (LAD1). Also called: LEUKOCYTE ADHESION DEFICIENCY, TYPE I; LAD 1; Lymphocyte function-associated antigen 1 immunodeficiency; LFA 1 immunodeficiency. Identifiers: Orphanet 2968, Orphanet 99842, MedGen C0398738, MONDO:0007293, OMIM 116920.

Allele frequency attached by ClinVar (database versions not stated): ExAC 0.00001; gnomAD 0.00001; gnomAD exomes 0.00001.
gnomAD v4.1: 4 of 1,614,058 alleles (0.00025%); highest among the groups gnomAD compares: Non-Finnish European, 0.00034%; no homozygotes.

Submission:

Labcorp Genetics (formerly Invitae), Labcorp
Classification: Pathogenic for Leukocyte adhesion deficiency 1. Last evaluated: 2024-03-04. Review status: criteria provided, single submitter. Criteria: Invitae Variant Classification Sherloc (09022015). Collection method: clinical testing. Allele origin: germline.
Comment: This sequence change creates a premature translational stop signal (p.Gln317*) in the ITGB2 gene. It is expected to result in an absent or disrupted protein product. Loss-of-function variants in ITGB2 are known to be pathogenic (PMID: 22134107, 25703682). This variant is present in population databases (rs760990531, gnomAD 0.002%). This variant has not been reported in the literature in individuals affected with ITGB2-related conditions. ClinVar contains an entry for this variant (Variation ID: 1936220). For these reasons, this variant has been classified as Pathogenic.

Literature cited by the submitters: PubMed 22134107; PubMed 25703682.

NM_000211.5(ITGB2):c.949C>T (p.Gln317Ter)

Gene: ITGB2 (integrin subunit beta 2; minus strand). Cytogenetic location: 21q22.3.
Variant type: single nucleotide variant.
Coding change: c.949C>T on transcript NM_000211.5 (MANE Select); coding-DNA position 949, C replaced by T.
Protein change: p.Gln317Ter; replaces glutamine 317 with a stop codon.
Molecular consequence: nonsense.
Genome position (GRCh38, 1-based): chr21:44,899,111, G>A on the plus strand (C>T on the coding strand, the complement: ITGB2 is on the minus strand). VCF-style: chr21-44899111-G-A. GRCh37 (hg19) VCF-style: chr21-46319026-G-A.
Other names: c.949C>T, p.Gln317Ter (NM_001127491.3); c.742C>T, p.Gln248Ter (NM_001303238.2); short protein forms Q248*, Q317*.
Identifiers: ClinVar variation 1936220 (VCV001936220.5), dbSNP rs760990531, ClinGen allele CA10062998.
Genomic context (GRCh38, chr21:44,899,111, plus strand): 5'-ACCCAACAGCACTCACCTCGTAGGTCTTCACCATCCTACTGGTCACCGCGAAGATGGGCT[G>A]GATGTTGTTTTCAGCCAGCTTGTGCGCCAGCTGGCCCACCGATGGGTAGTCCTGGAGAGA-3'